The following is an entry in ClinVar:

NM_021620.4(PRDM13):c.974C>T (p.Ala325Val)

Genes: PRDM13 (PR/SET domain 13; plus strand), LOC129996881 (ATAC-STARR-seq lymphoblastoid silent region 17422; plus strand). Cytogenetic location: 6q16.2.
Variant type: single nucleotide variant.
Coding change: c.974C>T on transcript NM_021620.4 (MANE Select); coding-DNA position 974, C replaced by T.
Protein change: p.Ala325Val; replaces alanine 325 with valine.
Molecular consequence: missense variant.
Genome position (GRCh38, 1-based): chr6:99,613,609, C>T. VCF-style: chr6-99613609-C-T. GRCh37 (hg19) VCF-style: chr6-100061485-C-T.
Other names: short protein forms A325V.
Identifiers: ClinVar variation 2183756 (VCV002183756.4), dbSNP rs931675509, ClinGen allele CA143975328.

ClinVar aggregate classification (germline): Uncertain significance (1 of 4 stars; one submission).

Submission:

Labcorp Genetics (formerly Invitae), Labcorp
Classification: Uncertain significance. Last evaluated: 2022-08-16. Review status: criteria provided, single submitter. Criteria: Invitae Variant Classification Sherloc (09022015). Collection method: clinical testing. Allele origin: germline.
Comment: This sequence change replaces alanine, which is neutral and non-polar, with valine, which is neutral and non-polar, at codon 325 of the PRDM13 protein (p.Ala325Val). In summary, the available evidence is currently insufficient to determine the role of this variant in disease. Therefore, it has been classified as a Variant of Uncertain Significance. Algorithms developed to predict the effect of missense changes on protein structure and function output the following: SIFT: "Deleterious"; PolyPhen-2: "Benign"; Align-GVGD: "Class C0". The valine amino acid residue is found in multiple mammalian species, which suggests that this missense change does not adversely affect protein function. This variant has not been reported in the literature in individuals affected with PRDM13-related conditions. This variant is not present in population databases (gnomAD no frequency).